The following is an entry in ClinVar:

NM_078470.6(COX15):c.155A>G (p.Gln52Arg)

Gene: COX15 (cytochrome c oxidase assembly homolog COX15; minus strand). Cytogenetic location: 10q24.2.
Variant type: single nucleotide variant.
Coding change: c.155A>G on transcript NM_078470.6 (MANE Select); coding-DNA position 155, A replaced by G.
Protein change: p.Gln52Arg; replaces glutamine 52 with arginine.
Molecular consequence: missense variant. On other transcripts: 5 prime UTR variant (1), non-coding transcript variant (1).
Genome position (GRCh38, 1-based): chr10:99,729,670, T>C on the plus strand (A>G on the coding strand, the complement: COX15 is on the minus strand). VCF-style: chr10-99729670-T-C. GRCh37 (hg19) VCF-style: chr10-101489427-T-C.
Other names: p.Q52R:CAA>CGA; c.155A>G, p.Gln52Arg (NM_001320974.2, NM_001320975.2, NM_001372024.1 and 5 more transcripts); c.-300A>G (NM_001320976.2); short protein forms Q52R.
Identifiers: ClinVar variation 214254 (VCV000214254.1), dbSNP rs863223941, ClinGen allele CA324738.
Genomic context (GRCh38, chr10:99,729,670, plus strand): 5'-CATCGGCCCACCACCCGCTCAGCAGCCTTTGAGGGAAGGGACACTGTACCCCTTCCAGAT[T>C]GCAAAGCTACTTCAGAGATGGTGCTGTATTGCCCTGGCCTCAAAGGGCGCCTGATGCAAT-3'
Protein context (NP_510870.1, residues 42-62): QYSTISEVAL[Gln52Arg]SGRGTVSLPS

ClinVar aggregate classification (germline): Likely benign (1 of 4 stars; one submission).

Allele frequency attached by ClinVar (database versions not stated): gnomAD exomes below 0.00001.
gnomAD v4.1: 3 of 1,614,124 alleles (0.00019%); highest among the groups gnomAD compares: Non-Finnish European, 0.00025%; no homozygotes.

Submission:

GeneDx
Classification: Likely benign. Last evaluated: 2014-05-12. Review status: criteria provided, single submitter. Criteria: GeneDx Variant Classification (06012015). Collection method: clinical testing. Allele origin: germline. Affected: yes.
Comment: This variant is considered likely benign or benign based on one or more of the following criteria: it is a conservative change, it occurs at a poorly conserved position in the protein, it is predicted to be benign by multiple in silico algorithms, and/or has population frequency not consistent with disease.